The following is an entry in ClinVar:

ClinVar aggregate classification (germline): Uncertain significance (1 of 4 stars; one submission).

Submission:

Labcorp Genetics (formerly Invitae), Labcorp
Classification: Uncertain significance. Last evaluated: 2024-08-04. Review status: criteria provided, single submitter. Criteria: Invitae Variant Classification Sherloc (09022015). Collection method: clinical testing. Allele origin: germline.
Comment: This sequence change replaces glycine, which is neutral and non-polar, with arginine, which is basic and polar, at codon 718 of the PIEZO1 protein (p.Gly718Arg). This variant is not present in population databases (gnomAD no frequency). This missense change has been observed in individual(s) with hereditary xerocytosis (PMID: 33074480). ClinVar contains an entry for this variant (Variation ID: 1949905). Advanced modeling of protein sequence and biophysical properties (such as structural, functional, and spatial information, amino acid conservation, physicochemical variation, residue mobility, and thermodynamic stability) performed at Invitae indicates that this missense variant is not expected to disrupt PIEZO1 protein function with a negative predictive value of 80%. In summary, the available evidence is currently insufficient to determine the role of this variant in disease. Therefore, it has been classified as a Variant of Uncertain Significance.

Literature cited by the submitters: PubMed 33074480.

NM_001142864.4(PIEZO1):c.2152G>C (p.Gly718Arg)

Genes: HSALR1 (HSP90AB1 associated lncRNA 1; plus strand), PIEZO1 (piezo type mechanosensitive ion channel component 1 (Er blood group); minus strand). Cytogenetic location: 16q24.3.
Variant type: single nucleotide variant.
Coding change: c.2152G>C on transcript NM_001142864.4 (MANE Select); coding-DNA position 2152, G replaced by C.
Protein change: p.Gly718Arg; replaces glycine 718 with arginine.
Molecular consequence: missense variant.
Genome position (GRCh38, 1-based): chr16:88,734,384, C>G on the plus strand (G>C on the coding strand, the complement: PIEZO1 is on the minus strand). VCF-style: chr16-88734384-C-G. GRCh37 (hg19) VCF-style: chr16-88800792-C-G.
Other names: c.697G>C, p.Gly233Arg (NM_014745.1); short protein forms G233R, G718R.
Identifiers: ClinVar variation 1949905 (VCV001949905.5), dbSNP rs755885744, ClinGen allele CA397113445.